The following is an entry in ClinVar:

ClinVar aggregate classification (germline): Conflicting classifications of pathogenicity. Review status: criteria provided, conflicting classifications (1 of 4 stars). 9 submissions from 9 submitters: Pathogenic (1); Likely pathogenic (4); Uncertain significance (3). 1 of the submissions does not count toward it. Last evaluated 2026-06-16.

Conditions:
USH2A-related disorder. Also called: USH2A-related disorders; USH2A-related condition. Identifiers: MedGen CN239332.
Usher syndrome type 2A. Also called: RETINAL DISEASE IN USHER SYNDROME TYPE IIA, MODIFIER OF; USHER SYNDROME, TYPE IIA. Identifiers: Orphanet 231178, Orphanet 886, MedGen C1848634, MONDO:0010169, OMIM 276901.
Retinitis pigmentosa 39 (RP39). Identifiers: Orphanet 791, MedGen C3151138, MONDO:0013436, OMIM 613809.

gnomAD v4.1: 3 of 1,613,768 alleles (0.00019%); highest among the groups gnomAD compares: African/African-American, 0.0013%; no homozygotes.

Submissions (9):

Myriad Genetics, Inc.
Classification: Uncertain significance for USH2A-related disorder. Last evaluated: 2026-06-16. Review status: criteria provided, single submitter. Criteria: Myriad Autosomal Dominant, Autosomal Recessive and X-Linked Classification Criteria (2023). Collection method: clinical testing. Allele origin: unknown.
Comment: NM_206933.2(USH2A):c.1000C>G(R334G) is a missense variant classified as a variant of uncertain significance in the context of USH2A-related disorders. R334G has been observed in cases with relevant disease (PMID: 28604982, 29655801, 37287646). Relevant functional assessments of this variant are not available in the literature. R334G has not been observed in referenced population frequency databases. In summary, there is insufficient evidence to classify NM_206933.2(USH2A):c.1000C>G(R334G) as pathogenic or benign. Please note: this variant was assessed in the context of healthy population screening.

Natera, Inc.
Classification: Likely pathogenic for Usher syndrome type 2A. Last evaluated: 2025-11-06. Review status: criteria provided, single submitter. Criteria: Natera Variant Classification Schema (03/2026). Collection method: clinical testing. Allele origin: germline.
Comment: The c.1000C>G variant in USH2A is a missense variant predicted to cause substitution of arginine to glycine at amino acid 334. This variant is rare in the general population with a frequency below the threshold expected for the associated phenotype(s). This variant has been observed in one or more individuals affected with the associated recessive disease, as either homozygous or compound heterozygous with a second variant (PMID: 29655801, 28604982). A different variant at the same position has been determined to be Pathogenic or Likely Pathogenic. Computational prediction algorithms indicate this variant is likely to affect gene or protein function. Given the available evidence, this variant is classified as Likely Pathogenic.

Labcorp Genetics (formerly Invitae), Labcorp
Classification: Likely pathogenic. Last evaluated: 2024-12-31. Review status: criteria provided, single submitter. Criteria: Invitae Variant Classification Sherloc (09022015). Collection method: clinical testing. Allele origin: germline.
Comment: This sequence change replaces arginine, which is basic and polar, with glycine, which is neutral and non-polar, at codon 334 of the USH2A protein (p.Arg334Gly). This variant is not present in population databases (gnomAD no frequency). This missense change has been observed in individual(s) with clinical features of retinitis pigmentosa (PMID: 29655801; internal data). In at least one individual the data is consistent with being in trans (on the opposite chromosome) from a pathogenic variant. ClinVar contains an entry for this variant (Variation ID: 48342). Invitae Evidence Modeling of protein sequence and biophysical properties (such as structural, functional, and spatial information, amino acid conservation, physicochemical variation, residue mobility, and thermodynamic stability) has been performed for this missense variant. However, the output from this modeling did not meet the statistical confidence thresholds required to predict the impact of this variant on USH2A protein function. This variant disrupts the p.Arg334 amino acid residue in USH2A. Other variant(s) that disrupt this residue have been determined to be pathogenic (PMID: 10909849, 15025721, 17405132, 18452394, 19683999, 28894305). This suggests that this residue is clinically significant, and that variants that disrupt this residue are likely to be disease-causing. In summary, the currently available evidence indicates that the variant is pathogenic, but additional data are needed to prove that conclusively. Therefore, this variant has been classified as Likely Pathogenic.

Blueprint Genetics
Classification: Pathogenic for USH2A-related disorders. Last evaluated: 2024-09-04. Review status: criteria provided, single submitter. Criteria: ACMG Guidelines, 2015. Collection method: clinical testing. Allele origin: germline. Affected: yes. Observed: 4 variant alleles.

Fulgent Genetics
Classification: Likely pathogenic for Usher syndrome type 2A; Retinitis pigmentosa 39. Last evaluated: 2024-04-16. Review status: criteria provided, single submitter. Criteria: ACMG Guidelines, 2015. Collection method: clinical testing. Allele origin: germline.

Baylor Genetics
Classification: Likely pathogenic for Retinitis pigmentosa 39. Last evaluated: 2024-02-05. Review status: criteria provided, single submitter. Criteria: ACMG Guidelines, 2015. Collection method: clinical testing. Allele origin: unknown.

GeneDx
Classification: Uncertain significance. Last evaluated: 2023-02-28. Review status: criteria provided, single submitter. Criteria: GeneDx Variant Classification Process June 2021. Collection method: clinical testing. Allele origin: germline. Affected: yes.
Comment: Reported in an individual with hearing loss and light sensitivity in published literature (Austin-Tse et al., 2018); Not observed at significant frequency in large population cohorts (gnomAD); In silico analysis supports that this missense variant has a deleterious effect on protein structure/function; This variant is associated with the following publications: (PMID: 29655801)

Laboratory for Molecular Medicine, Mass General Brigham Personalized Medicine
Classification: Uncertain significance. Last evaluated: 2017-03-11. Review status: criteria provided, single submitter. Criteria: LMM Criteria. Collection method: clinical testing. Allele origin: germline. Observed: 3 variant alleles.
Comment: Variant classified as Uncertain Significance - Favor Pathogenic. This va riant was absent from large population studies. Two different disease-causing am ino acid changes at codon 334 (p.Arg334Gln and p.Arg334Trp) have previously been reported in individuals with Usher syndrome (Adato 2000, Ouyang 2004, Baux 2007 , Yan 2016) suggesting that changes at this position may not be tolerated. Addit ionally, computational prediction tools and conservation analysis suggest that t he p.Arg334Gly variant may impact the protein; however this information is not p redictive enough to determine pathogenicity. In summary, while there is some sus picion for a pathogenic role, the clinical significance of the p.Arg334Gly varia nt is uncertain.

Counsyl
Classification: Uncertain significance for Usher syndrome type 2A; Retinitis pigmentosa 39. Last evaluated: 2017-11-12. Review status: no assertion criteria provided. Collection method: clinical testing. Allele origin: unknown. Not counted in ClinVar's aggregate classification.

Literature cited by the submitters: PubMed 28604982 (cited by Myriad Genetics, Inc. and Natera, Inc.); PubMed 29655801 (cited by 3 submitters); PubMed 37287646 (cited by Myriad Genetics, Inc.); PubMed 10909849 (cited by Labcorp Genetics (formerly Invitae), Labcorp); PubMed 15025721 (cited by Labcorp Genetics (formerly Invitae), Labcorp and Laboratory for Molecular Medicine, Mass General Brigham Personalized Medicine); PubMed 17405132 (cited by Labcorp Genetics (formerly Invitae), Labcorp and Laboratory for Molecular Medicine, Mass General Brigham Personalized Medicine); PubMed 18452394 (cited by Labcorp Genetics (formerly Invitae), Labcorp); PubMed 19683999 (cited by Labcorp Genetics (formerly Invitae), Labcorp); PubMed 28894305 (cited by Labcorp Genetics (formerly Invitae), Labcorp); PubMed 10738000 (cited by Laboratory for Molecular Medicine, Mass General Brigham Personalized Medicine); PubMed 27344577 (cited by Laboratory for Molecular Medicine, Mass General Brigham Personalized Medicine).

NM_206933.4(USH2A):c.1000C>G (p.Arg334Gly)

Gene: USH2A (usherin; minus strand). Cytogenetic location: 1q41.
Variant type: single nucleotide variant.
Coding change: c.1000C>G on transcript NM_206933.4 (MANE Select); coding-DNA position 1000, C replaced by G.
Protein change: p.Arg334Gly; replaces arginine 334 with glycine.
Molecular consequence: missense variant.
Genome position (GRCh38, 1-based): chr1:216,325,448, G>C on the plus strand (C>G on the coding strand, the complement: USH2A is on the minus strand). VCF-style: chr1-216325448-G-C. GRCh37 (hg19) VCF-style: chr1-216498790-G-C.
Other names: c.1000C>G, p.Arg334Gly (NM_007123.6); short protein forms R334G.
Identifiers: ClinVar variation 48342 (VCV000048342.21), dbSNP rs397517963, ClinGen allele CA143213.